The following is an entry in ClinVar:

ClinVar aggregate classification (germline): Pathogenic. Review status: criteria provided, multiple submitters, no conflicts (2 of 4 stars). 2 submissions from 2 submitters: Pathogenic (2). Last evaluated 2023-11-17.

Conditions:
Junctional epidermolysis bullosa, non-Herlitz type. Also called: EPIDERMOLYSIS BULLOSA JUNCTIONALIS, DISENTIS TYPE; EPIDERMOLYSIS BULLOSA JUNCTIONALIS, NON-HERLITZ TYPE; EPIDERMOLYSIS BULLOSA JUNCTIONALIS, PROGRESSIVE; EPIDERMOLYSIS BULLOSA JUNCTIONALIS, SEVERE NONLETHAL; Adult junctional epidermolysis bullosa; Epidermolysis bullosa, junctional, non-herlitz type, somatic mosaic revertant. Identifiers: Orphanet 251393, Orphanet 79402, Orphanet 79405, Orphanet 89840, MedGen C0268374, MONDO:0009180, OMIM 226650.

Submissions (2):

Labcorp Genetics (formerly Invitae), Labcorp
Classification: Pathogenic. Last evaluated: 2023-11-17. Review status: criteria provided, single submitter. Criteria: Invitae Variant Classification Sherloc (09022015). Collection method: clinical testing. Allele origin: germline.
Comment: This sequence change creates a premature translational stop signal (p.Cys546Leufs*20) in the LAMB3 gene. It is expected to result in an absent or disrupted protein product. Loss-of-function variants in LAMB3 are known to be pathogenic (PMID: 11023379, 16473856). This variant is not present in population databases (gnomAD no frequency). This premature translational stop signal has been observed in individual(s) with clinical features of autosomal recessive junctional epidermolysis bullosa (PMID: 11023379). ClinVar contains an entry for this variant (Variation ID: 1804002). For these reasons, this variant has been classified as Pathogenic.

Institute of Human Genetics Munich, TUM University Hospital
Classification: Pathogenic for Junctional epidermolysis bullosa, non-Herlitz type. Last evaluated: 2022-06-23. Review status: criteria provided, single submitter. Criteria: Classification criteria August 2017. Collection method: clinical testing. Allele origin: paternal. Inheritance: Autosomal recessive inheritance. Affected: yes. Observed: 1 variant allele.

Literature cited by the submitters: PubMed 11023379 (cited by Labcorp Genetics (formerly Invitae), Labcorp); PubMed 16473856 (cited by Labcorp Genetics (formerly Invitae), Labcorp).

NM_000228.3(LAMB3):c.1628dup (p.Cys546fs)

Gene: LAMB3 (laminin subunit beta 3; minus strand). Cytogenetic location: 1q32.2.
Variant type: Duplication.
Coding change: c.1628dup on transcript NM_000228.3 (MANE Select); coding-DNA position 1628, one base duplicated (G; older notation c.1628dupG).
Protein change: p.Cys546fs; shifts the reading frame from cysteine 546.
Molecular consequence: frameshift variant.
Genome position (GRCh38, 1-based): chr1:209,625,996, C duplicated on the plus strand (G on the coding strand, the reverse complement: LAMB3 is on the minus strand); the first of 3 consecutive C bases (chr1:209,625,996-209,625,998); duplicating any one gives the same sequence. VCF-style (leftmost placement, unchanged base first): chr1-209625995-G-GC. GRCh37 (hg19) VCF-style: chr1-209799340-G-GC.
Other names: c.1628dup, p.Cys546fs (NM_001017402.2, NM_001127641.1); short protein forms C546fs.
Identifiers: ClinVar variation 1804002 (VCV001804002.6), dbSNP rs747341006, ClinGen allele CA1375510.
Genomic context (GRCh38, chr1:209,625,995, plus strand): 5'-GCGGGGCCCGGTCAAGCCAGGGCGGCAGAGGCAGCGGCCTGATGCCTTGTCGCAGCCCGG[G>GC]CCCTCTGTTCCCCGGAAATCACAGTCACAGGCTAGGGCCAAGAAAAATGACAGTCAGAGA-3'